The following is an entry in ClinVar:

NM_031935.3(HMCN1):c.4940C>T (p.Thr1647Met)

Gene: HMCN1 (hemicentin 1; plus strand). Cytogenetic location: 1q31.1.
Variant type: single nucleotide variant.
Coding change: c.4940C>T on transcript NM_031935.3 (MANE Select); coding-DNA position 4940, C replaced by T.
Protein change: p.Thr1647Met; replaces threonine 1647 with methionine.
Molecular consequence: missense variant.
Genome position (GRCh38, 1-based): chr1:186,015,988, C>T. VCF-style: chr1-186015988-C-T. GRCh37 (hg19) VCF-style: chr1-185985120-C-T.
Other names: c.4940C>T (NM_031935.2); short protein forms T1647M.
Identifiers: ClinVar variation 1409614 (VCV001409614.7), dbSNP rs775412545, ClinGen allele CA1292146.

ClinVar aggregate classification (germline): Conflicting classifications of pathogenicity. Review status: criteria provided, conflicting classifications (1 of 4 stars). 2 submissions from 2 submitters: Uncertain significance (1); Likely benign (1). Last evaluated 2025-10-23.

Allele frequency attached by ClinVar (database versions not stated): ExAC 0.00002; gnomAD exomes 0.00003 and 0.00004; TOPMed 0.00005; gnomAD 0.00006.
gnomAD v4.1: 51 of 1,613,240 alleles (0.0032%); highest among the groups gnomAD compares: South Asian, 0.012%; no homozygotes.

Submissions (2):

Ambry Genetics
Classification: Likely benign. Last evaluated: 2025-10-23. Review status: criteria provided, single submitter. Criteria: Ambry Variant Classification Scheme 2023. Collection method: clinical testing. Allele origin: germline.

Labcorp Genetics (formerly Invitae), Labcorp
Classification: Uncertain significance. Last evaluated: 2025-05-17. Review status: criteria provided, single submitter. Criteria: Invitae Variant Classification Sherloc (09022015). Collection method: clinical testing. Allele origin: germline.
Comment: This sequence change replaces threonine, which is neutral and polar, with methionine, which is neutral and non-polar, at codon 1647 of the HMCN1 protein (p.Thr1647Met). This variant is present in population databases (rs775412545, gnomAD 0.01%). This variant has not been reported in the literature in individuals affected with HMCN1-related conditions. ClinVar contains an entry for this variant (Variation ID: 1409614). An algorithm developed to predict the effect of missense changes on protein structure and function outputs the following: PolyPhen-2: "Benign". The methionine amino acid residue is found in multiple mammalian species, which suggests that this missense change does not adversely affect protein function. In summary, the available evidence is currently insufficient to determine the role of this variant in disease. Therefore, it has been classified as a Variant of Uncertain Significance.